The following is an entry in ClinVar:

NM_001733.7(C1R):c.1451A>T (p.His484Leu)

Gene: C1R (complement C1r; minus strand). Cytogenetic location: 12p13.31.
Variant type: single nucleotide variant.
Coding change: c.1451A>T on transcript NM_001733.7 (MANE Select); coding-DNA position 1451, A replaced by T.
Protein change: p.His484Leu; replaces histidine 484 with leucine.
Molecular consequence: missense variant.
Genome position (GRCh38, 1-based): chr12:7,081,199, T>A on the plus strand (A>T on the coding strand, the complement: C1R is on the minus strand). VCF-style: chr12-7081199-T-A. GRCh37 (hg19) VCF-style: chr12-7188503-T-A.
Other names: c.1493A>T, p.His498Leu (NM_001354346.2); short protein forms H484L, H498L.
Identifiers: ClinVar variation 4848636 (VCV004848636.1).

ClinVar aggregate classification (germline): Uncertain significance (1 of 4 stars; one submission).

Submission:

Women's Health and Genetics/Laboratory Corporation of America, LabCorp
Classification: Uncertain significance. Last evaluated: 2026-04-28. Review status: criteria provided, single submitter. Criteria: LabCorp Variant Classification Summary - May 2015. Collection method: clinical testing. Allele origin: germline.
Comment: Variant summary: C1R c.1451A>T (p.Glu484Val) results in a non-conservative amino acid change in the encoded protein sequence. Algorithms developed to predict the effect of missense changes on protein structure and function are either unavailable or do not agree on the potential impact of this missense change. The variant allele was found at a frequency of 4e-06 in 249176 control chromosomes. The available data on variant occurrences in the general population are insufficient to allow any conclusion about variant significance. To our knowledge, no occurrence of c.1451A>T in individuals affected with C1R-related conditions and no experimental evidence demonstrating its impact on protein function have been reported. No submitters have cited clinical-significance assessments for this variant to ClinVar. Based on the evidence outlined above, the variant was classified as uncertain significance.